The following is an entry in ClinVar:

NM_000501.4(ELN):c.460G>A (p.Val154Met)

Gene: ELN (elastin; plus strand). Cytogenetic location: 7q11.23.
Variant type: single nucleotide variant.
Coding change: c.460G>A on transcript NM_000501.4 (MANE Select); coding-DNA position 460, G replaced by A.
Protein change: p.Val154Met; replaces valine 154 with methionine.
Molecular consequence: missense variant.
Genome position (GRCh38, 1-based): chr7:74,043,911, G>A. VCF-style: chr7-74043911-G-A. GRCh37 (hg19) VCF-style: chr7-73458241-G-A.
Other names: c.430G>A, p.Val144Met (NM_001081752.3, NM_001278917.2, NM_001278918.2); c.475G>A, p.Val159Met (NM_001081753.3, NM_001081754.3); c.460G>A, p.Val154Met (NM_001081755.3, NM_001278912.2, NM_001278915.2 and 2 more transcripts); c.424G>A, p.Val142Met (NM_001278913.2); c.445G>A, p.Val149Met (NM_001278914.2); short protein forms V154M, V142M, V144M, V149M, V159M.
Identifiers: ClinVar variation 449781 (VCV000449781.55), dbSNP rs145669576, ClinGen allele CA4292496.

ClinVar aggregate classification (germline): Conflicting classifications of pathogenicity. Review status: criteria provided, conflicting classifications (1 of 4 stars). 6 submissions from 5 submitters: Uncertain significance (3); Benign (1); Likely benign (1). 1 of the submissions does not count toward it. Last evaluated 2025-12-03.

Conditions:
ELN-related disorder.
Cutis laxa, autosomal dominant 1 (ADCL1). Also called: ELN-Related Cutis Laxa. Identifiers: Orphanet 90348, MedGen C3276539, MONDO:0007411, OMIM 123700. Disease mechanism: Dominant Negative.
Supravalvar aortic stenosis (SVAS). Also called: Supravalvar aortic stenosis, Eisenberg type. Identifiers: Orphanet 3193, MedGen C0003499, MONDO:0008504, OMIM 185500, HP:0004381.

Allele frequency attached by ClinVar (database versions not stated): gnomAD 0.00009 and 0.00010; gnomAD exomes 0.00016 and 0.00021; TOPMed 0.00016; ExAC 0.00019; ESP Exome Variant Server 0.00054.
gnomAD v4.1: 318 of 1,613,938 alleles (0.02%); highest among the groups gnomAD compares: Middle Eastern, 0.082%; no homozygotes.

Submissions (6):

Labcorp Genetics (formerly Invitae), Labcorp
Classification: Uncertain significance for Supravalvar aortic stenosis. Last evaluated: 2025-12-03. Review status: criteria provided, single submitter. Criteria: Invitae Variant Classification Sherloc (09022015). Collection method: clinical testing. Allele origin: germline.
Comment: This sequence change replaces valine, which is neutral and non-polar, with methionine, which is neutral and non-polar, at codon 154 of the ELN protein (p.Val154Met). This variant is present in population databases (rs145669576, gnomAD 0.02%). This variant has not been reported in the literature in individuals affected with ELN-related conditions. ClinVar contains an entry for this variant (Variation ID: 449781). Invitae Evidence Modeling of protein sequence and biophysical properties (such as structural, functional, and spatial information, amino acid conservation, physicochemical variation, residue mobility, and thermodynamic stability) indicates that this missense variant is not expected to disrupt ELN protein function with a negative predictive value of 80%. In summary, the available evidence is currently insufficient to determine the role of this variant in disease. Therefore, it has been classified as a Variant of Uncertain Significance.

GeneDx
Classification: Uncertain significance. Last evaluated: 2025-05-29. Review status: criteria provided, single submitter. Criteria: GeneDx Variant Classification Process June 2021. Collection method: clinical testing. Allele origin: germline. Affected: yes.
Comment: Has been reported with alternate nomenclature to segregate with Marfan syndrome in a Sardinian family (Marziliano 2018); In silico analysis indicates that this missense variant does not alter protein structure/function; This variant is associated with the following publications: (PMID: 33057194, 35982159)

CeGaT Center for Human Genetics Tuebingen
Classification: Uncertain significance. Last evaluated: 2021-12-01. Review status: criteria provided, single submitter. Criteria: CeGaT Center For Human Genetics Tuebingen Variant Classification Criteria Version 2. Collection method: clinical testing. Allele origin: germline. Affected: yes. Observed: 1 variant allele.

Illumina Laboratory Services, Illumina
Classification: Likely benign for Supravalvar aortic stenosis. Last evaluated: 2018-01-12. Review status: criteria provided, single submitter. Criteria: ICSL Variant Classification Criteria 13 December 2019. Collection method: clinical testing. Allele origin: germline.
Comment: This variant was observed in the ICSL laboratory as part of a predisposition screen in an ostensibly healthy population. It had not been previously curated by ICSL or reported in the Human Gene Mutation Database (HGMD: prior to June 1st, 2018), and was therefore a candidate for classification through an automated scoring system. Utilizing variant allele frequency, disease prevalence and penetrance estimates, and inheritance mode, an automated score was calculated to assess if this variant is too frequent to cause the disease. Based on the score and internal cut-off values, a variant classified as likely benign is not then subjected to further curation. The score for this variant resulted in a classification of likely benign for this disease.

Illumina Laboratory Services, Illumina
Classification: Benign for Cutis laxa, autosomal dominant 1. Last evaluated: 2018-01-12. Review status: criteria provided, single submitter. Criteria: ICSL Variant Classification Criteria 13 December 2019. Collection method: clinical testing. Allele origin: germline.
Comment: This variant was observed in the ICSL laboratory as part of a predisposition screen in an ostensibly healthy population. It had not been previously curated by ICSL or reported in the Human Gene Mutation Database (HGMD: prior to June 1st, 2018), and was therefore a candidate for classification through an automated scoring system. Utilizing variant allele frequency, disease prevalence and penetrance estimates, and inheritance mode, an automated score was calculated to assess if this variant is too frequent to cause the disease. Based on the score and internal cut-off values, a variant classified as benign is not then subjected to further curation. The score for this variant resulted in a classification of benign for this disease.

PreventionGenetics, part of Exact Sciences
Classification: Likely benign for ELN-related condition. Last evaluated: 2023-01-27. Review status: no assertion criteria provided. Collection method: clinical testing. Allele origin: germline. Not counted in ClinVar's aggregate classification.
Comment: This variant is classified as likely benign based on ACMG/AMP sequence variant interpretation guidelines (Richards et al. 2015 PMID: 25741868, with internal and published modifications).